The following is an entry in ClinVar:

NM_001330723.2(SNX27):c.967G>A (p.Val323Met)

Gene: SNX27 (sorting nexin 27; plus strand). Cytogenetic location: 1q21.3.
Variant type: single nucleotide variant.
Coding change: c.967G>A on transcript NM_001330723.2 (MANE Select); coding-DNA position 967, G replaced by A.
Protein change: p.Val323Met; replaces valine 323 with methionine.
Molecular consequence: missense variant.
Genome position (GRCh38, 1-based): chr1:151,665,993, G>A. VCF-style: chr1-151665993-G-A. GRCh37 (hg19) VCF-style: chr1-151638469-G-A.
Other names: p.Val323Met; c.967G>A, p.Val323Met (NM_030918.6); short protein forms V323M.
Identifiers: ClinVar variation 462820 (VCV000462820.29), dbSNP rs61762678, ClinGen allele CA1093551.
Genomic context (GRCh38, chr1:151,665,993, plus strand): 5'-GCTATCGCAGCAAAGGTTGGCATGGACAGTACGACAGTGAATTACTTTGCCTTATTTGAA[G>A]TGATCAGTCACTCCTTTGGTAAGTACCAGTGGCTGATACTAAGTTTTGTTTTCTAATACT-3'
Protein context (NP_001317652.1, residues 313-333): TTVNYFALFE[Val323Met]ISHSFVRKLA

ClinVar aggregate classification (germline): Benign/Likely benign. Review status: criteria provided, multiple submitters, no conflicts (2 of 4 stars). 5 submissions from 5 submitters: Benign (1); Likely benign (3). 1 of the submissions does not count toward it. Last evaluated 2026-02-02.

Conditions:
Severe myoclonic epilepsy in infancy (DRVT). Also called: DEVELOPMENTAL AND EPILEPTIC ENCEPHALOPATHY 6A; Dravet syndrome; Epileptic encephalopathy, early infantile, 6 (Dravet syndrome); SEVERE MYOCLONIC EPILEPSY OF INFANCY; Severe Myoclonic Epilepsy in Infancy (SMEI). Identifiers: Orphanet 33069, MedGen C0751122, MONDO:0100135, OMIM 607208.
SNX27-related disorder. Also called: SNX27-related condition.

Allele frequency attached by ClinVar (database versions not stated): 1000 Genomes Project 30x 0.00109; 1000 Genomes Project 0.00120; TOPMed 0.00203; ESP Exome Variant Server 0.00238; gnomAD 0.00292 and 0.00311; gnomAD exomes 0.00316 and 0.00337; ExAC 0.00364.
gnomAD v4.1: 5,321 of 1,611,398 alleles (0.33%); highest among the groups gnomAD compares: Non-Finnish European, 0.39%; 17 homozygotes.

Submissions (5):

Labcorp Genetics (formerly Invitae), Labcorp
Classification: Likely benign for Severe myoclonic epilepsy in infancy. Last evaluated: 2026-02-02. Review status: criteria provided, single submitter. Criteria: Invitae Variant Classification Sherloc (09022015). Collection method: clinical testing. Allele origin: germline.

Mayo Clinic Laboratories, Mayo Clinic
Classification: Benign. Last evaluated: 2025-07-11. Review status: criteria provided, single submitter. Criteria: ACMG Guidelines, 2015. Collection method: clinical testing. Allele origin: germline. Observed: 1 variant allele.
Comment: BA1

CeGaT Center for Human Genetics Tuebingen
Classification: Likely benign. Last evaluated: 2025-07-01. Review status: criteria provided, single submitter. Criteria: CeGaT Center For Human Genetics Tuebingen Variant Classification Criteria Version 2. Collection method: clinical testing. Allele origin: germline. Affected: yes. Observed: 2 variant alleles.
Comment: SNX27: PP2, BS2

Breakthrough Genomics
Classification: Likely benign. Review status: criteria provided, single submitter. Criteria: ACMG Guidelines, 2015. Collection method: not provided. Allele origin: germline. Inheritance: Unknown mechanism. Affected: yes.

PreventionGenetics, part of Exact Sciences
Classification: Likely benign for SNX27-related condition. Last evaluated: 2019-03-27. Review status: no assertion criteria provided. Collection method: clinical testing. Allele origin: germline. Not counted in ClinVar's aggregate classification.
Comment: This variant is classified as likely benign based on ACMG/AMP sequence variant interpretation guidelines (Richards et al. 2015 PMID: 25741868, with internal and published modifications).